The following is an entry in ClinVar:

NM_000143.4(FH):c.451A>T (p.Met151Leu)

Gene: FH (fumarate hydratase; minus strand). Cytogenetic location: 1q43.
Variant type: single nucleotide variant.
Coding change: c.451A>T on transcript NM_000143.4 (MANE Select); coding-DNA position 451, A replaced by T.
Protein change: p.Met151Leu; replaces methionine 151 with leucine.
Molecular consequence: missense variant.
Genome position (GRCh38, 1-based): chr1:241,512,071, T>A on the plus strand (A>T on the coding strand, the complement: FH is on the minus strand). VCF-style: chr1-241512071-T-A. GRCh37 (hg19) VCF-style: chr1-241675371-T-A.
Other names: short protein forms M151L.
Identifiers: ClinVar variation 648293 (VCV000648293.15), dbSNP rs749752047, ClinGen allele CA1478678.
Genomic context (GRCh38, chr1:241,512,071, plus strand): 5'-TGCCAAGTTCACCTCCTAACATTTCAATTGCTCTATTGCTAATGACTTCATTTACATTCA[T>A]ATTTGTCTGAGTTCCTGATCCAGTCTGCCATACCACGAGAGGAAAATGATCATTTAATTT-3'
Protein context (NP_000134.2, residues 141-161): WQTGSGTQTN[Met151Leu]NVNEVISNRA

ClinVar aggregate classification (germline): Uncertain significance. Review status: criteria provided, multiple submitters, no conflicts (2 of 4 stars). 3 submissions from 3 submitters: Uncertain significance (2). 1 of the submissions does not count toward it. Last evaluated 2025-09-16.

Conditions:
Hereditary cancer-predisposing syndrome. Also called: Hereditary Cancer Syndrome; Tumor predisposition; Neoplastic Syndromes, Hereditary; Hereditary neoplastic syndrome. Identifiers: Orphanet 140162, MedGen C0027672, MeSH D009386, MONDO:0015356.
Fumarase deficiency (FMRD). Also called: Fumaric aciduria; Fumarate Hydratase Deficiency. Identifiers: Orphanet 24, MedGen C0342770, MONDO:0011730, OMIM 606812.

Allele frequency attached by ClinVar (database versions not stated): TOPMed below 0.00001; gnomAD exomes 0.00001 and 0.00002; ExAC 0.00002.

Submissions (3):

Labcorp Genetics (formerly Invitae), Labcorp
Classification: Uncertain significance. Last evaluated: 2025-09-16. Review status: criteria provided, single submitter. Criteria: Invitae Variant Classification Sherloc (09022015). Collection method: clinical testing. Allele origin: germline.
Comment: This sequence change replaces methionine, which is neutral and non-polar, with leucine, which is neutral and non-polar, at codon 151 of the FH protein (p.Met151Leu). This variant is present in population databases (rs749752047, gnomAD 0.003%). This variant has not been reported in the literature in individuals affected with FH-related conditions. ClinVar contains an entry for this variant (Variation ID: 648293). Invitae Evidence Modeling of protein sequence and biophysical properties (such as structural, functional, and spatial information, amino acid conservation, physicochemical variation, residue mobility, and thermodynamic stability) indicates that this missense variant is expected to disrupt FH protein function with a positive predictive value of 95%. In summary, the available evidence is currently insufficient to determine the role of this variant in disease. Therefore, it has been classified as a Variant of Uncertain Significance.

Ambry Genetics
Classification: Uncertain significance for Hereditary cancer-predisposing syndrome. Last evaluated: 2024-07-13. Review status: criteria provided, single submitter. Criteria: Ambry Variant Classification Scheme 2023. Collection method: clinical testing. Allele origin: germline.
Comment: The p.M151L variant (also known as c.451A>T), located in coding exon 4 of the FH gene, results from an A to T substitution at nucleotide position 451. The methionine at codon 151 is replaced by leucine, an amino acid with highly similar properties. This amino acid position is highly conserved in available vertebrate species. In addition, this alteration is predicted to be deleterious by in silico analysis. Based on the available evidence, the clinical significance of this variant remains unclear.

Natera, Inc.
Classification: Uncertain significance for Fumarase Deficiency. Last evaluated: 2021-06-28. Review status: no assertion criteria provided. Collection method: clinical testing. Allele origin: germline. Not counted in ClinVar's aggregate classification.